The following is an entry in ClinVar:

NM_005876.5(SPEG):c.8122A>G (p.Thr2708Ala)

Genes: ASIC4-AS1 (ASIC4 antisense RNA 1; minus strand), SPEG (striated muscle enriched protein kinase; plus strand). Cytogenetic location: 2q35.
Variant type: single nucleotide variant.
Coding change: c.8122A>G on transcript NM_005876.5 (MANE Select); coding-DNA position 8122, A replaced by G.
Protein change: p.Thr2708Ala; replaces threonine 2708 with alanine.
Molecular consequence: missense variant.
Genome position (GRCh38, 1-based): chr2:219,488,873, A>G. VCF-style: chr2-219488873-A-G. GRCh37 (hg19) VCF-style: chr2-220353595-A-G.
Other names: short protein forms T2708A.
Identifiers: ClinVar variation 1307456 (VCV001307456.8), dbSNP rs751876013, ClinGen allele CA65996587.

ClinVar aggregate classification (germline): Uncertain significance. Review status: criteria provided, multiple submitters, no conflicts (2 of 4 stars). 3 submissions from 3 submitters: Uncertain significance (3). Last evaluated 2026-08-14.

Conditions:
Inborn genetic diseases. Identifiers: MedGen C0950123, MeSH D030342.

Allele frequency attached by ClinVar (database versions not stated): gnomAD exomes 0.00002; TOPMed 0.00003; gnomAD 0.00003.
gnomAD v4.1: 38 of 1,586,602 alleles (0.0024%); highest among the groups gnomAD compares: Non-Finnish European, 0.003%; no homozygotes.

Submissions (3):

GeneDx
Classification: Uncertain significance. Last evaluated: 2026-08-14. Review status: criteria provided, single submitter. Criteria: GeneDx Variant Classification Process June 2021. Collection method: clinical testing. Allele origin: germline.
Comment: In silico analysis supports that this missense variant has a deleterious effect on protein structure/function; Has not been previously published as pathogenic or benign to our knowledge

Ambry Genetics
Classification: Uncertain significance for Inborn genetic diseases. Last evaluated: 2025-05-28. Review status: criteria provided, single submitter. Criteria: Ambry Variant Classification Scheme 2023. Collection method: clinical testing. Allele origin: germline.

Labcorp Genetics (formerly Invitae), Labcorp
Classification: Uncertain significance. Last evaluated: 2021-09-17. Review status: criteria provided, single submitter. Criteria: Invitae Variant Classification Sherloc (09022015). Collection method: clinical testing. Allele origin: germline.
Comment: This sequence change replaces threonine with alanine at codon 2708 of the SPEG protein (p.Thr2708Ala). The threonine residue is highly conserved and there is a small physicochemical difference between threonine and alanine. This variant is not present in population databases (ExAC no frequency). This variant has not been reported in the literature in individuals affected with SPEG-related conditions. Algorithms developed to predict the effect of missense changes on protein structure and function are either unavailable or do not agree on the potential impact of this missense change (SIFT: "Deleterious"; PolyPhen-2: "Probably Damaging"; Align-GVGD: "Class C0"). In summary, the available evidence is currently insufficient to determine the role of this variant in disease. Therefore, it has been classified as a Variant of Uncertain Significance.